The following is an entry in ClinVar:

NM_001349338.3(FOXP1):c.136A>G (p.Ile46Val)

Gene: FOXP1 (forkhead box P1; minus strand). Cytogenetic location: 3p13.
Variant type: single nucleotide variant.
Coding change: c.136A>G on transcript NM_001349338.3 (MANE Select); coding-DNA position 136, A replaced by G.
Protein change: p.Ile46Val; replaces isoleucine 46 with valine.
Molecular consequence: missense variant. On other transcripts: non-coding transcript variant (2).
Genome position (GRCh38, 1-based): chr3:71,198,246, T>C on the plus strand (A>G on the coding strand, the complement: FOXP1 is on the minus strand). VCF-style: chr3-71198246-T-C. GRCh37 (hg19) VCF-style: chr3-71247397-T-C.
Other names: c.136A>G (NM_032682.5); c.136A>G, p.Ile46Val (NM_001012505.2, NM_001244808.3, NM_001244810.2 and 7 more transcripts); short protein forms I46V.
Identifiers: ClinVar variation 1918636 (VCV001918636.7), dbSNP rs2063420740, ClinGen allele CA353565058.
Genomic context (GRCh38, chr3:71,198,246, plus strand): 5'-CTCCAAAGCCCAGTACCTGTTGCTGCTGCTGCTGGGCGTGGGCGAGGTCAGCTGCCCCGA[T>C]GTCCACGGCCGGCGTCTCTCCGTTGGACCGCCCCTCCCGAAGACCGCCGCACTCTAGTAA-3'
Protein context (NP_001336267.1, residues 36-56): RSNGETPAVD[Ile46Val]GAADLAHAQQ

ClinVar aggregate classification (germline): Uncertain significance. Review status: criteria provided, multiple submitters, no conflicts (2 of 4 stars). 2 submissions from 2 submitters: Uncertain significance (2). Last evaluated 2026-09-01.

Allele frequency attached by ClinVar (database versions not stated): TOPMed below 0.00001; gnomAD exomes below 0.00001.
gnomAD v4.1: 1 of 1,614,146 alleles (0.000062%); highest among the groups gnomAD compares: African/African-American, 0.0013%; no homozygotes.

Submissions (2):

GeneDx
Classification: Uncertain significance. Last evaluated: 2026-09-01. Review status: criteria provided, single submitter. Criteria: GeneDx Variant Classification Process June 2021. Collection method: clinical testing. Allele origin: germline.
Comment: Not observed at significant frequency in large population cohorts (gnomAD); In silico analysis suggests that this missense variant does not alter protein structure/function; Has not been previously published as pathogenic or benign to our knowledge

Labcorp Genetics (formerly Invitae), Labcorp
Classification: Uncertain significance. Last evaluated: 2024-12-09. Review status: criteria provided, single submitter. Criteria: Invitae Variant Classification Sherloc (09022015). Collection method: clinical testing. Allele origin: germline.
Comment: This sequence change replaces isoleucine, which is neutral and non-polar, with valine, which is neutral and non-polar, at codon 46 of the FOXP1 protein (p.Ile46Val). This variant is not present in population databases (gnomAD no frequency). This variant has not been reported in the literature in individuals affected with FOXP1-related conditions. ClinVar contains an entry for this variant (Variation ID: 1918636). Invitae Evidence Modeling of protein sequence and biophysical properties (such as structural, functional, and spatial information, amino acid conservation, physicochemical variation, residue mobility, and thermodynamic stability) has been performed for this missense variant. However, the output from this modeling did not meet the statistical confidence thresholds required to predict the impact of this variant on FOXP1 protein function. In summary, the available evidence is currently insufficient to determine the role of this variant in disease. Therefore, it has been classified as a Variant of Uncertain Significance.